The following is an entry in ClinVar:

NM_018127.7(ELAC2):c.1351C>A (p.Leu451Met)

Gene: ELAC2 (elaC ribonuclease Z 2; minus strand). Cytogenetic location: 17p12.
Variant type: single nucleotide variant.
Coding change: c.1351C>A on transcript NM_018127.7 (MANE Select); coding-DNA position 1351, C replaced by A.
Protein change: p.Leu451Met; replaces leucine 451 with methionine.
Molecular consequence: missense variant.
Genome position (GRCh38, 1-based): chr17:13,000,228, G>T on the plus strand (C>A on the coding strand, the complement: ELAC2 is on the minus strand). VCF-style: chr17-13000228-G-T. GRCh37 (hg19) VCF-style: chr17-12903545-G-T.
Other names: c.1231C>A, p.Leu411Met (NM_001165962.2); c.1348C>A, p.Leu450Met (NM_173717.2); c.1351C>A (NM_018127.6); short protein forms L411M, L450M, L451M.
Identifiers: ClinVar variation 1061263 (VCV001061263.5), dbSNP rs761514025, ClinGen allele CA8401236.
Genomic context (GRCh38, chr17:13,000,228, plus strand): 5'-GGCCGTCCTGCGCACTCCTCCTGTACTCCTGCACGCTCTGCTGGAAGTTGGGAAGCTGCA[G>T]CGCCTCAACTATGAATTCCTCAGGATTGCAAGTAATAATGGCATCCCTGCAGGAAGAGAG-3'
Protein context (NP_060597.4, residues 441-461): CNPEEFIVEA[Leu451Met]QLPNFQQSVQ

ClinVar aggregate classification (germline): Uncertain significance. Review status: criteria provided, multiple submitters, no conflicts (2 of 4 stars). 3 submissions from 3 submitters: Uncertain significance (3). Last evaluated 2026-04-06.

Conditions:
Inborn genetic diseases. Identifiers: MedGen C0950123, MeSH D030342.
Combined oxidative phosphorylation defect type 17. Also called: Combined oxidative phosphorylation deficiency 17. Identifiers: Orphanet 369913, MedGen C3809526, MONDO:0014190, OMIM 615440.

Allele frequency attached by ClinVar (database versions not stated): gnomAD 0.00001 and 0.00002; gnomAD exomes 0.00002; ExAC 0.00002; TOPMed 0.00002.
gnomAD v4.1: 32 of 1,614,026 alleles (0.002%); highest among the groups gnomAD compares: Non-Finnish European, 0.0025%; no homozygotes.

Submissions (3):

GeneDx
Classification: Uncertain significance. Last evaluated: 2026-04-06. Review status: criteria provided, single submitter. Criteria: GeneDx Variant Classification Process June 2021. Collection method: clinical testing. Allele origin: germline.
Comment: Not observed at significant frequency in large population cohorts (gnomAD); In silico analysis suggests that this missense variant does not alter protein structure/function; Has not been previously published as pathogenic or benign to our knowledge

Labcorp Genetics (formerly Invitae), Labcorp
Classification: Uncertain significance for Combined oxidative phosphorylation defect type 17. Last evaluated: 2025-12-15. Review status: criteria provided, single submitter. Criteria: Invitae Variant Classification Sherloc (09022015). Collection method: clinical testing. Allele origin: germline.
Comment: This sequence change replaces leucine, which is neutral and non-polar, with methionine, which is neutral and non-polar, at codon 451 of the ELAC2 protein (p.Leu451Met). This variant is present in population databases (rs761514025, gnomAD 0.006%). This variant has not been reported in the literature in individuals affected with ELAC2-related conditions. ClinVar contains an entry for this variant (Variation ID: 1061263). Invitae Evidence Modeling of protein sequence and biophysical properties (such as structural, functional, and spatial information, amino acid conservation, physicochemical variation, residue mobility, and thermodynamic stability) indicates that this missense variant is not expected to disrupt ELAC2 protein function with a negative predictive value of 80%. In summary, the available evidence is currently insufficient to determine the role of this variant in disease. Therefore, it has been classified as a Variant of Uncertain Significance.

Ambry Genetics
Classification: Uncertain significance for Inborn genetic diseases. Last evaluated: 2025-04-28. Review status: criteria provided, single submitter. Criteria: Ambry Variant Classification Scheme 2023. Collection method: clinical testing. Allele origin: germline.